The following is an entry in ClinVar:

NM_024596.5(MCPH1):c.1281G>T (p.Glu427Asp)

Gene: MCPH1 (microcephalin 1; plus strand). Cytogenetic location: 8p23.1.
Variant type: single nucleotide variant.
Coding change: c.1281G>T on transcript NM_024596.5 (MANE Select); coding-DNA position 1281, G replaced by T.
Protein change: p.Glu427Asp; replaces glutamic acid 427 with aspartic acid.
Molecular consequence: missense variant. On other transcripts: non-coding transcript variant (1).
Genome position (GRCh38, 1-based): chr8:6,445,003, G>T. VCF-style: chr8-6445003-G-T. GRCh37 (hg19) VCF-style: chr8-6302524-G-T.
Other names: c.1281G>T, p.Glu427Asp (NM_001172574.2, NM_001322042.2, NM_001363979.1 and 1 more transcripts); c.1137G>T, p.Glu379Asp (NM_001172575.2); c.1275G>T, p.Glu425Asp (NM_001322043.2); c.1179G>T, p.Glu393Asp (NM_001322045.2); short protein forms E425D, E427D, E379D, E393D.
Identifiers: ClinVar variation 1028326 (VCV001028326.1), dbSNP rs754200749, ClinGen allele CA370221315.

ClinVar aggregate classification (germline): Uncertain significance (1 of 4 stars; one submission).

Conditions:
Microcephaly 1, primary, autosomal recessive (MCPH1). Also called: PREMATURE CHROMOSOME CONDENSATION SYNDROME; PCC SYNDROME; PREMATURE CHROMOSOME CONDENSATION WITH MICROCEPHALY AND MENTAL RETARDATION. Identifiers: Orphanet 2512, MedGen C1855081, MONDO:0009617, OMIM 251200.

gnomAD v4.1: 6 of 1,614,082 alleles (0.00037%); highest among the groups gnomAD compares: Admixed American, 0.01%; no homozygotes.

Submission:

Baylor Genetics
Classification: Uncertain significance for Microcephaly 1, primary, autosomal recessive. Last evaluated: 2019-09-05. Review status: criteria provided, single submitter. Criteria: ACMG Guidelines, 2015. Collection method: clinical testing. Allele origin: unknown. Affected: yes.
Comment: This variant was determined to be of uncertain significance according to ACMG Guidelines, 2015 [PMID:25741868].